The following is an entry in ClinVar:

NM_000535.7(PMS2):c.779C>T (p.Ser260Phe)

Gene: PMS2 (PMS1 homolog 2, mismatch repair system component; minus strand). Cytogenetic location: 7p22.1.
Variant type: single nucleotide variant.
Coding change: c.779C>T on transcript NM_000535.7 (MANE Select); coding-DNA position 779, C replaced by T.
Protein change: p.Ser260Phe; replaces serine 260 with phenylalanine.
Molecular consequence: missense variant. On other transcripts: 5 prime UTR variant (2), non-coding transcript variant (1).
Genome position (GRCh38, 1-based): chr7:5,997,350, G>A on the plus strand (C>T on the coding strand, the complement: PMS2 is on the minus strand). VCF-style: chr7-5997350-G-A. GRCh37 (hg19) VCF-style: chr7-6036981-G-A.
Other names: c.374C>T, p.Ser125Phe (NM_001322003.2, NM_001322004.2, NM_001322005.2 and 2 more transcripts); c.779C>T, p.Ser260Phe (NM_001322006.2, NM_001322014.2); c.461C>T, p.Ser154Phe (NM_001322007.2, NM_001322008.2); c.-155C>T (NM_001322011.2, NM_001322012.2); c.206C>T, p.Ser69Phe (NM_001322013.2); c.470C>T, p.Ser157Phe (NM_001322015.2); c.779C>T (NM_000535.6); short protein forms S125F, S154F, S69F, S157F, S260F.
Identifiers: ClinVar variation 827258 (VCV000827258.8), dbSNP rs777286241, ClinGen allele CA051603.

ClinVar aggregate classification (germline): Uncertain significance. Review status: criteria provided, multiple submitters, no conflicts (2 of 4 stars). 5 submissions from 5 submitters: Uncertain significance (5). Last evaluated 2025-05-27.

Conditions:
Hereditary cancer-predisposing syndrome. Also called: Neoplastic Syndromes, Hereditary; Tumor predisposition; Hereditary neoplastic syndrome; Hereditary Cancer Syndrome. Identifiers: Orphanet 140162, MedGen C0027672, MeSH D009386, MONDO:0015356.
Lynch syndrome 4 (LYNCH4). Also called: Colorectal cancer, hereditary nonpolyposis, type 4; Hereditary non-polyposis colorectal cancer, type 4. Identifiers: Orphanet 144, MedGen C1838333, MONDO:0013699, OMIM 614337. Disease mechanism: loss of function.
Lynch syndrome. Identifiers: Orphanet 144, MedGen C4552100, MONDO:0005835. Disease mechanism: loss of function.
PMS2-related disorder. Also called: PMS2-related condition.

Allele frequency attached by ClinVar (database versions not stated): TOPMed 0.00001; gnomAD exomes 0.00020; ExAC 0.00027.
gnomAD v4.1: 132 of 1,591,390 alleles (0.0083%); highest among the groups gnomAD compares: South Asian, 0.14%; 3 homozygotes.

Submissions (5):

Quest Diagnostics Nichols Institute San Juan Capistrano
Classification: Uncertain significance. Last evaluated: 2025-05-27. Review status: criteria provided, single submitter. Criteria: Quest Diagnostics criteria. Collection method: clinical testing. Allele origin: unknown.
Comment: The PMS2 c.779C>T (p.Ser260Phe) variant has been reported in the published literature in an individual with breast cancer (PMID: 35449176 (2022)). The frequency of this variant in the general population (Genome Aggregation Database) is uninformative in the assessment of its pathogenicity. Analysis of this variant using bioinformatics tools for the prediction of the effect of amino acid changes on protein structure and function yielded conflicting predictions that this variant is benign or damaging. Based on the available information, we are unable to determine the clinical significance of this variant.

Department of Pathology and Laboratory Medicine, Sinai Health System
Classification: Uncertain significance for Lynch syndrome. Last evaluated: 2023-03-08. Review status: criteria provided, single submitter. Criteria: ACMG Guidelines, 2015. Collection method: clinical testing. Allele origin: germline. Affected: yes.

PreventionGenetics, part of Exact Sciences
Classification: Uncertain significance for PMS2-related condition. Last evaluated: 2023-02-20. Review status: criteria provided, single submitter. Criteria: ACMG Guidelines, 2015. Collection method: clinical testing. Allele origin: germline.
Comment: The PMS2 c.779C>T variant is predicted to result in the amino acid substitution p.Ser260Phe. To our knowledge, this variant has not been reported in the literature. This variant is reported in 0.16% of alleles in individuals of South Asian descent in gnomAD, including a homozygous individual. This variant has been interpreted as uncertain in ClinVar. Although we suspect that this variant may be benign, at this time, the clinical significance of this variant is uncertain due to the absence of conclusive functional and genetic evidence.

Ambry Genetics
Classification: Uncertain significance for Hereditary cancer-predisposing syndrome. Last evaluated: 2019-10-15. Review status: criteria provided, single submitter. Criteria: Ambry Variant Classification Scheme 2023. Collection method: clinical testing. Allele origin: germline.
Comment: The p.S260L variant (also known as c.779C>T), located in coding exon 7 of the PMS2 gene, results from a C to T substitution at nucleotide position 779. The serine at codon 260 is replaced by leucine, an amino acid with dissimilar properties. This amino acid position is not well conserved in available vertebrate species. In addition, this alteration is predicted to be tolerated by in silico analysis. Since supporting evidence is limited at this time, the clinical significance of this alteration remains unclear.

Neuberg Centre For Genomic Medicine, NCGM
Classification: Uncertain significance for Lynch syndrome 4. Review status: criteria provided, single submitter. Criteria: ACMG Guidelines, 2015. Collection method: clinical testing. Allele origin: germline. Inheritance: Autosomal dominant inheritance. Affected: yes.
Comment: The missense c.779C>T (p.Ser260Phe) variant in PMS2 gene has been submitted to ClinVar as a Variant of Uncertain Significance, but no details are available for independent assessment. It has not been reported in affected individuals. Thep.Ser260Phe variant is observed in 0.01% alleles in gnomAD Exomes and is novel (not in any individuals) in 1000 Genomes. The amino acid Ser at position 260 is changed to a Phe changing protein sequence and it might alter its composition and physico-chemical properties. For these reasons, this variant has been classified as Uncertain significance.

Literature cited by the submitters: PubMed 35449176 (cited by Quest Diagnostics Nichols Institute San Juan Capistrano).